The following is an entry in ClinVar:

NM_004329.3(BMPR1A):c.906G>T (p.Trp302Cys)

Gene: BMPR1A (bone morphogenetic protein receptor type 1A; plus strand). Cytogenetic location: 10q23.2.
Variant type: single nucleotide variant.
Coding change: c.906G>T on transcript NM_004329.3 (MANE Select); coding-DNA position 906, G replaced by T.
Protein change: p.Trp302Cys; replaces tryptophan 302 with cysteine.
Molecular consequence: missense variant. On other transcripts: non-coding transcript variant (3).
Genome position (GRCh38, 1-based): chr10:86,919,209, G>T. VCF-style: chr10-86919209-G-T. GRCh37 (hg19) VCF-style: chr10-88678966-G-T.
Other names: c.906G>T, p.Trp302Cys (NM_001406572.1, NM_001406573.1, NM_001406574.1 and 19 more transcripts); c.981G>T, p.Trp327Cys (NM_001406559.1); c.954G>T, p.Trp318Cys (NM_001406560.1); c.900G>T, p.Trp300Cys (NM_001406583.1); c.822G>T, p.Trp274Cys (NM_001406584.1, NM_001406585.1, NM_001406586.1 and 2 more transcripts); c.564G>T, p.Trp188Cys (NM_001406589.1); short protein forms W300C, W318C, W188C, W302C, W274C, W327C.
Identifiers: ClinVar variation 5032993 (VCV005032993.1).

ClinVar aggregate classification (germline): Uncertain significance (1 of 4 stars; one submission).

Conditions:
Hereditary cancer-predisposing syndrome. Also called: Neoplastic Syndromes, Hereditary; Tumor predisposition; Hereditary neoplastic syndrome; Hereditary Cancer Syndrome. Identifiers: Orphanet 140162, MedGen C0027672, MeSH D009386, MONDO:0015356.

Submission:

Ambry Genetics
Classification: Uncertain significance for Hereditary cancer-predisposing syndrome. Last evaluated: 2026-07-07. Review status: criteria provided, single submitter. Criteria: Ambry Variant Classification Scheme 2023. Collection method: clinical testing. Allele origin: germline.
Comment: The p.W302C variant (also known as c.906G>T), located in coding exon 8 of the BMPR1A gene, results from a G to T substitution at nucleotide position 906. The tryptophan at codon 302 is replaced by cysteine, an amino acid with highly dissimilar properties. This amino acid position is conserved. In addition, this alteration is predicted to be tolerated by in silico analysis. Based on the available evidence, the clinical significance of this variant remains unclear.